The following is an entry in ClinVar:

ClinVar aggregate classification (germline): Uncertain significance. Review status: criteria provided, multiple submitters, no conflicts (2 of 4 stars). 5 submissions from 5 submitters: Uncertain significance (4). 1 of the submissions does not count toward it. Last evaluated 2025-11-26.

Conditions:
Bloom syndrome (BLM). Also called: Bloom-Torre-Machacek syndrome. Identifiers: Orphanet 125, MedGen C0005859, MONDO:0008876, OMIM 210900.
Hereditary cancer-predisposing syndrome. Also called: Tumor predisposition; Hereditary Cancer Syndrome; Neoplastic Syndromes, Hereditary; Hereditary neoplastic syndrome. Identifiers: Orphanet 140162, MedGen C0027672, MeSH D009386, MONDO:0015356.

Allele frequency attached by ClinVar (database versions not stated): gnomAD exomes below 0.00001; TOPMed below 0.00001; gnomAD 0.00001.
gnomAD v4.1: 8 of 1,606,420 alleles (0.0005%); highest among the groups gnomAD compares: Non-Finnish European, 0.00068%; no homozygotes.

Submissions (5):

Ambry Genetics
Classification: Uncertain significance for Hereditary cancer-predisposing syndrome. Last evaluated: 2025-11-26. Review status: criteria provided, single submitter. Criteria: Ambry Variant Classification Scheme 2023. Collection method: clinical testing. Allele origin: germline.

Labcorp Genetics (formerly Invitae), Labcorp
Classification: Uncertain significance for Bloom syndrome. Last evaluated: 2025-08-09. Review status: criteria provided, single submitter. Criteria: Invitae Variant Classification Sherloc (09022015). Collection method: clinical testing. Allele origin: germline.
Comment: This sequence change replaces valine, which is neutral and non-polar, with isoleucine, which is neutral and non-polar, at codon 1027 of the BLM protein (p.Val1027Ile). The frequency data for this variant in the population databases is considered unreliable, as metrics indicate poor data quality at this position in the gnomAD database. This variant has not been reported in the literature in individuals affected with BLM-related conditions. ClinVar contains an entry for this variant (Variation ID: 485354). Invitae Evidence Modeling of protein sequence and biophysical properties (such as structural, functional, and spatial information, amino acid conservation, physicochemical variation, residue mobility, and thermodynamic stability) indicates that this missense variant is not expected to disrupt BLM protein function with a negative predictive value of 80%. In summary, the available evidence is currently insufficient to determine the role of this variant in disease. Therefore, it has been classified as a Variant of Uncertain Significance.

GeneDx
Classification: Uncertain significance. Last evaluated: 2024-02-23. Review status: criteria provided, single submitter. Criteria: GeneDx Variant Classification Process June 2021. Collection method: clinical testing. Allele origin: germline. Affected: yes.
Comment: Not observed at significant frequency in large population cohorts (gnomAD); In silico analysis supports that this missense variant does not alter protein structure/function; Has not been previously published as pathogenic or benign to our knowledge

Blueprint Genetics
Classification: Uncertain significance. Last evaluated: 2020-02-03. Review status: criteria provided, single submitter. Criteria: ACMG Guidelines, 2015. Collection method: clinical testing. Allele origin: germline.

Natera, Inc.
Classification: Uncertain significance for Bloom syndrome. Last evaluated: 2020-01-31. Review status: no assertion criteria provided. Collection method: clinical testing. Allele origin: germline. Not counted in ClinVar's aggregate classification.

NM_000057.4(BLM):c.3079G>A (p.Val1027Ile)

Gene: BLM (BLM RecQ like helicase; plus strand). Cytogenetic location: 15q26.1.
Variant type: single nucleotide variant.
Coding change: c.3079G>A on transcript NM_000057.4 (MANE Select); coding-DNA position 3079, G replaced by A.
Protein change: p.Val1027Ile; replaces valine 1027 with isoleucine.
Molecular consequence: missense variant.
Genome position (GRCh38, 1-based): chr15:90,794,226, G>A. VCF-style: chr15-90794226-G-A. GRCh37 (hg19) VCF-style: chr15-91337456-G-A.
Other names: c.3079G>A, p.Val1027Ile (NM_001287246.2, NM_001287247.2); c.1954G>A, p.Val652Ile (NM_001287248.2); c.3079G>A (LRG_20t1); short protein forms V1027I, V652I.
Identifiers: ClinVar variation 485354 (VCV000485354.19), dbSNP rs1300299815, ClinGen allele CA393846783.